The following is an entry in ClinVar:

ClinVar aggregate classification (germline): Uncertain significance (1 of 4 stars; one submission).

Conditions:
Tuberous sclerosis 2 (TSC2). Identifiers: Orphanet 805, MedGen C1860707, MONDO:0013199, OMIM 613254.

Submission:

Labcorp Genetics (formerly Invitae), Labcorp
Classification: Uncertain significance for Tuberous sclerosis 2. Last evaluated: 2020-05-24. Review status: criteria provided, single submitter. Criteria: Invitae Variant Classification Sherloc (09022015). Collection method: clinical testing. Allele origin: germline.
Comment: This variant is a gross duplication of the genomic region encompassing exons 2-11 of the TSC2 gene. The 5' end of this event is unknown as it extends beyond the assayed region for this gene and therefore may encompass additional genes. The 3' boundary is likely confined to intron 11 of the TSC2 gene. The exact location of this variant in the genome is unknown. This variant has not been reported in the literature in individuals with TSC2-related disease. Experimental studies and prediction algorithms are not available for this variant, and the functional significance of the duplicated amino acids is currently unknown. In summary, the available evidence is currently insufficient to determine the role of this variant in disease. Therefore, it has been classified as a Variant of Uncertain Significance.

NC_000016.9:g.(?_2098617)_(2110824_?)dup

Gene: TSC2 (TSC complex subunit 2; plus strand). Cytogenetic location: 16p13.3.
Variant type: Duplication.
Identifiers: ClinVar variation 1056026 (VCV001056026.4).